The following is an entry in ClinVar:

ClinVar aggregate classification (germline): Benign/Likely benign. Review status: criteria provided, multiple submitters, no conflicts (2 of 4 stars). 4 submissions from 4 submitters: Benign (1); Likely benign (3). Last evaluated 2026-08-01.

Conditions:
MCM3AP-related disorder. Also called: MCM3AP-related condition.

Allele frequency attached by ClinVar (database versions not stated): 1000 Genomes Project 30x 0.00016; 1000 Genomes Project 0.00020; TOPMed 0.00104; gnomAD exomes 0.00127 and 0.00165; ExAC 0.00155; ESP Exome Variant Server 0.00161; gnomAD 0.00183 and 0.00193.
gnomAD v4.1: 2,049 of 1,566,992 alleles (0.13%); highest among the groups gnomAD compares: Non-Finnish European, 0.15%; 11 homozygotes.

Submissions (4):

CeGaT Center for Human Genetics Tuebingen
Classification: Likely benign. Last evaluated: 2026-08-01. Review status: criteria provided, single submitter. Criteria: CeGaT Center For Human Genetics Tuebingen Variant Classification Criteria Version 2. Collection method: clinical testing. Allele origin: germline. Affected: yes. Observed: 19 variant alleles.
Comment: MCM3AP: BP4, BP7

PreventionGenetics, part of Exact Sciences
Classification: Likely benign for MCM3AP-related condition. Last evaluated: 2026-07-01. Review status: criteria provided, single submitter. Criteria: ACMG Guidelines, 2015. Collection method: clinical testing. Allele origin: germline.
Comment: This variant is classified as likely benign based on ACMG/AMP sequence variant interpretation guidelines (Richards et al. 2015 PMID: 25741868, with internal and published modifications).

Labcorp Genetics (formerly Invitae), Labcorp
Classification: Benign. Last evaluated: 2026-02-01. Review status: criteria provided, single submitter. Criteria: Invitae Variant Classification Sherloc (09022015). Collection method: clinical testing. Allele origin: germline.

Blueprint Genetics
Classification: Likely benign. Last evaluated: 2024-11-23. Review status: criteria provided, single submitter. Criteria: ACMG Guidelines, 2015. Collection method: clinical testing. Allele origin: germline.

NM_003906.5(MCM3AP):c.5727G>A (p.Val1909=)

Genes: MCM3AP (minichromosome maintenance complex component 3 associated protein; minus strand), MCM3AP-AS1 (MCM3AP antisense RNA 1; plus strand). Cytogenetic location: 21q22.3.
Variant type: single nucleotide variant.
Coding change: c.5727G>A on transcript NM_003906.5 (MANE Select); coding-DNA position 5727, G replaced by A.
Protein change: p.Val1909=; no amino-acid change (valine 1909 retained).
Molecular consequence: synonymous variant.
Genome position (GRCh38, 1-based): chr21:46,236,886, C>T on the plus strand (G>A on the coding strand, the complement: MCM3AP is on the minus strand). VCF-style: chr21-46236886-C-T. GRCh37 (hg19) VCF-style: chr21-47656800-C-T.
Identifiers: ClinVar variation 791517 (VCV000791517.51), dbSNP rs150410111, ClinGen allele CA10075769.
Genomic context (GRCh38, chr21:46,236,886, plus strand): 5'-CACCTGTGGGCTAGTAGTTACAGATGTTTTCATCACAGGTTCAATAGTGTGAGAAAGAGA[C>T]ACTAGAGTCTGAGGAAGATAGAGGGGAAGGGAAGTTAAATCCGTAAATGCTCCTGAGTCT-3'
Protein context (NP_003897.2, residues 1899-1919): SLPLYLPQTL[Val1909=]SLSHTIEPVM